The following is an entry in ClinVar:

NM_005419.4(STAT2):c.285+5T>C

Gene: STAT2 (signal transducer and activator of transcription 2; minus strand). Cytogenetic location: 12q13.3.
Variant type: single nucleotide variant.
Coding change: c.285+5T>C on transcript NM_005419.4 (MANE Select); 5 bases into the intron after coding-DNA position 285, T replaced by C.
Molecular consequence: intron variant.
Genome position (GRCh38, 1-based): chr12:56,356,127, A>G on the plus strand (T>C on the coding strand, the complement: STAT2 is on the minus strand). VCF-style: chr12-56356127-A-G. GRCh37 (hg19) VCF-style: chr12-56749911-A-G.
Other names: c.285+5T>C (NM_198332.2, LRG_1329t1).
Identifiers: ClinVar variation 542353 (VCV000542353.17), dbSNP rs79264292, ClinGen allele CA6630920.

ClinVar aggregate classification (germline): Likely benign. Review status: criteria provided, multiple submitters, no conflicts (2 of 4 stars). 6 submissions from 6 submitters: Likely benign (3). 3 of the submissions do not count toward it. Last evaluated 2025-12-22.

Conditions:
STAT2-related disorder. Also called: STAT2-related condition.
Primary immunodeficiency with post-measles-mumps-rubella vaccine viral infection. Also called: Immunodeficiency 44. Identifiers: Orphanet 431166, MedGen C4225260, MONDO:0014715, OMIM 616636.

Allele frequency attached by ClinVar (database versions not stated): gnomAD exomes 0.00014 and 0.00040; ExAC 0.00053; gnomAD 0.00158 and 0.00166; ESP Exome Variant Server 0.00161; TOPMed 0.00165; 1000 Genomes Project 0.00180; 1000 Genomes Project 30x 0.00219.
gnomAD v4.1: 457 of 1,613,270 alleles (0.028%); highest among the groups gnomAD compares: African/African-American, 0.57%; 1 homozygote.

Submissions (6):

Labcorp Genetics (formerly Invitae), Labcorp
Classification: Likely benign for Primary immunodeficiency with post-measles-mumps-rubella vaccine viral infection. Last evaluated: 2025-12-22. Review status: criteria provided, single submitter. Criteria: Invitae Variant Classification Sherloc (09022015). Collection method: clinical testing. Allele origin: germline.

Blueprint Genetics
Classification: Likely benign. Last evaluated: 2024-11-14. Review status: criteria provided, single submitter. Criteria: ACMG Guidelines, 2015. Collection method: clinical testing. Allele origin: germline.

Breakthrough Genomics
Classification: Likely benign. Review status: criteria provided, single submitter. Criteria: ACMG Guidelines, 2015. Collection method: not provided. Allele origin: germline. Inheritance: Autosomal recessive inheritance. Affected: yes.

PreventionGenetics, part of Exact Sciences
Classification: Likely benign for STAT2-related condition. Last evaluated: 2024-08-07. Review status: no assertion criteria provided. Collection method: clinical testing. Allele origin: germline. Not counted in ClinVar's aggregate classification.
Comment: This variant is classified as likely benign based on ACMG/AMP sequence variant interpretation guidelines (Richards et al. 2015 PMID: 25741868, with internal and published modifications).

Clinical Genetics DNA and cytogenetics Diagnostics Lab, Erasmus MC, Erasmus Medical Center
Classification: Likely benign. Review status: no assertion criteria provided. Collection method: clinical testing. Allele origin: germline. Affected: yes. Study: VKGL Data-share Consensus. Not counted in ClinVar's aggregate classification.

Genome Diagnostics Laboratory, University Medical Center Utrecht
Classification: Likely benign. Review status: no assertion criteria provided. Collection method: clinical testing. Allele origin: germline. Affected: yes. Study: VKGL Data-share Consensus. Not counted in ClinVar's aggregate classification.